The following is an entry in ClinVar:

NM_030805.4(LMAN2L):c.190G>A (p.Val64Met)

Gene: LMAN2L (lectin, mannose binding 2 like; minus strand). Cytogenetic location: 2q11.2.
Variant type: single nucleotide variant.
Coding change: c.190G>A on transcript NM_030805.4 (MANE Select); coding-DNA position 190, G replaced by A.
Protein change: p.Val64Met; replaces valine 64 with methionine.
Molecular consequence: missense variant. On other transcripts: intron variant (3), 5 prime UTR variant (5).
Genome position (GRCh38, 1-based): chr2:96,738,065, C>T on the plus strand (G>A on the coding strand, the complement: LMAN2L is on the minus strand). VCF-style: chr2-96738065-C-T. GRCh37 (hg19) VCF-style: chr2-97403802-C-T.
Other names: c.-47+1789G>A (NM_001322351.2); c.-109+1789G>A (NM_001322350.2, NM_001322347.2); c.-163G>A (NM_001322346.2, NM_001322354.2, NM_001322356.2); c.-306G>A (NM_001322352.2); c.-244G>A (NM_001322355.2); c.190G>A, p.Val64Met (NM_001142292.2); short protein forms V64M.
Identifiers: ClinVar variation 2651150 (VCV002651150.24), dbSNP rs1431584348, ClinGen allele CA347705699.
Genomic context (GRCh38, chr2:96,738,065, plus strand): 5'-ACTGGGTCATCACCATGGCATTGCCCATCAGATTCCACAGTGAGGAACTGCCTGTGCCCA[C>T]ACCTACAGGAAGGAAGTAGATCAGTTCATACTTTTCAACACCAATCCATTCAGAAAGCAG-3'
Protein context (NP_110432.1, residues 54-74): EHSLSKPYQG[Val64Met]GTGSSSLWNL

ClinVar aggregate classification (germline): Uncertain significance (1 of 4 stars; one submission).

Allele frequency attached by ClinVar (database versions not stated): TOPMed below 0.00001; gnomAD 0.00001.
gnomAD v4.1: 1 of 1,608,368 alleles (0.000062%); highest among the groups gnomAD compares: Non-Finnish European, 0.000085%; no homozygotes.

Submission:

CeGaT Center for Human Genetics Tuebingen
Classification: Uncertain significance. Last evaluated: 2023-02-01. Review status: criteria provided, single submitter. Criteria: CeGaT Center For Human Genetics Tuebingen Variant Classification Criteria Version 2. Collection method: clinical testing. Allele origin: germline. Affected: yes. Observed: 1 variant allele.
Comment: LMAN2L: PM2